The following is an entry in ClinVar:

NM_001379286.1(ZNF423):c.1495G>A (p.Asp499Asn)

Gene: ZNF423 (zinc finger protein 423; minus strand). Cytogenetic location: 16q12.1.
Variant type: single nucleotide variant.
Coding change: c.1495G>A on transcript NM_001379286.1 (MANE Select); coding-DNA position 1495, G replaced by A.
Protein change: p.Asp499Asn; replaces aspartic acid 499 with asparagine.
Molecular consequence: missense variant.
Genome position (GRCh38, 1-based): chr16:49,637,681, C>T on the plus strand (G>A on the coding strand, the complement: ZNF423 is on the minus strand). VCF-style: chr16-49637681-C-T. GRCh37 (hg19) VCF-style: chr16-49671592-C-T.
Other names: p.Asp491Asn; c.1291G>A, p.Asp431Asn (NM_001271620.2); c.1120G>A, p.Asp374Asn (NM_001330533.2); c.1471G>A, p.Asp491Asn (NM_015069.5); c.1471G>A (NM_015069.4); short protein forms D491N, D431N, D374N, D499N.
Identifiers: ClinVar variation 473055 (VCV000473055.8), dbSNP rs138661785, ClinGen allele CA8046672.

ClinVar aggregate classification (germline): Conflicting classifications of pathogenicity. Review status: criteria provided, conflicting classifications (1 of 4 stars). 3 submissions from 3 submitters: Uncertain significance (2); Likely benign (1). Last evaluated 2025-05-06.

Conditions:
Nephronophthisis 14 (NPHP14). Identifiers: Orphanet 2318, MedGen C3539071, MONDO:0013916, OMIM 614844.

Allele frequency attached by ClinVar (database versions not stated): gnomAD exomes 0.00023; gnomAD 0.00012 and 0.00014; TOPMed 0.00012; ESP Exome Variant Server 0.00015; 1000 Genomes Project 30x 0.00016; 1000 Genomes Project 0.00020; ExAC 0.00023.
gnomAD v4.1: 263 of 1,614,102 alleles (0.016%); highest among the groups gnomAD compares: Admixed American, 0.088%; no homozygotes.

Submissions (3):

Mayo Clinic Laboratories, Mayo Clinic
Classification: Uncertain significance. Last evaluated: 2025-05-06. Review status: criteria provided, single submitter. Criteria: ACMG Guidelines, 2015. Collection method: clinical testing. Allele origin: germline. Observed: 1 variant allele.
Comment: BP4_moderate

Blueprint Genetics
Classification: Likely benign. Last evaluated: 2024-10-22. Review status: criteria provided, single submitter. Criteria: ACMG Guidelines, 2015. Collection method: clinical testing. Allele origin: germline.

Labcorp Genetics (formerly Invitae), Labcorp
Classification: Uncertain significance for Nephronophthisis 14. Last evaluated: 2022-08-06. Review status: criteria provided, single submitter. Criteria: Invitae Variant Classification Sherloc (09022015). Collection method: clinical testing. Allele origin: germline.
Comment: This sequence change replaces aspartic acid, which is acidic and polar, with asparagine, which is neutral and polar, at codon 491 of the ZNF423 protein (p.Asp491Asn). This variant is present in population databases (rs138661785, gnomAD 0.1%). This variant has not been reported in the literature in individuals affected with ZNF423-related conditions. ClinVar contains an entry for this variant (Variation ID: 473055). Algorithms developed to predict the effect of missense changes on protein structure and function are either unavailable or do not agree on the potential impact of this missense change (SIFT: "Tolerated"; PolyPhen-2: "Possibly Damaging"; Align-GVGD: "Class C0"). In summary, the available evidence is currently insufficient to determine the role of this variant in disease. Therefore, it has been classified as a Variant of Uncertain Significance.